The following is an entry in ClinVar:

NM_000520.6(HEXA):c.1422-1G>T

Gene: HEXA (hexosaminidase subunit alpha; minus strand). Cytogenetic location: 15q23.
Variant type: single nucleotide variant.
Coding change: c.1422-1G>T on transcript NM_000520.6 (MANE Select); the canonical splice acceptor site of the intron before coding-DNA position 1422, G replaced by T.
Molecular consequence: splice acceptor variant.
Genome position (GRCh38, 1-based): chr15:72,345,551, C>A on the plus strand (G>T on the coding strand, the complement: HEXA is on the minus strand). VCF-style: chr15-72345551-C-A. GRCh37 (hg19) VCF-style: chr15-72637892-C-A.
Other names: c.1455-1G>T (NM_001318825.2).
Identifiers: ClinVar variation 555688 (VCV000555688.5), dbSNP rs1555472296, ClinGen allele CA393058933.
Genomic context (GRCh38, chr15:72,345,551, plus strand): 5'-GTCAGGTCAGATGTCAACTTGTTGCTCCACAGCCTTTCGGCAACAGCCCCTGCTCTGGGC[C>A]TGGAGGAAAAGGGGCATGTGCCAGATTGGGCCCTGTATTCCCTGCAAAGGTGCTGGACAT-3'

ClinVar aggregate classification (germline): Pathogenic. Review status: criteria provided, single submitter (1 of 4 stars). 2 submissions from 2 submitters: Pathogenic (1). 1 of the submissions does not count toward it. Last evaluated 2023-05-07.

Conditions:
Tay-Sachs disease (TSD). Also called: HEXA Disorders; HEXA DEFICIENCY; Hexosaminidase A Deficiency; GM2 gangliosidosis, type 1; Hexosaminidase alpha-subunit deficiency (variant B); Sphingolipidosis, Tay-Sachs. Identifiers: Orphanet 845, MedGen C0039373, MONDO:0010100, OMIM 272800.

Submissions (2):

Labcorp Genetics (formerly Invitae), Labcorp
Classification: Pathogenic for Tay-Sachs disease. Last evaluated: 2023-05-07. Review status: criteria provided, single submitter. Criteria: Invitae Variant Classification Sherloc (09022015). Collection method: clinical testing. Allele origin: germline.
Comment: ClinVar contains an entry for this variant (Variation ID: 555688). Disruption of this splice site has been observed in individual(s) with hexosaminidase A deficiency (PMID: 22789865). This variant is not present in population databases (gnomAD no frequency). This sequence change affects an acceptor splice site in intron 12 of the HEXA gene. It is expected to disrupt RNA splicing. Variants that disrupt the donor or acceptor splice site typically lead to a loss of protein function (PMID: 16199547), and loss-of-function variants in HEXA are known to be pathogenic (PMID: 1833974, 8490625). Algorithms developed to predict the effect of sequence changes on RNA splicing suggest that this variant may disrupt the consensus splice site. For these reasons, this variant has been classified as Pathogenic.

Counsyl
Classification: Likely pathogenic for Tay-Sachs disease. Last evaluated: 2017-12-24. Review status: no assertion criteria provided. Collection method: clinical testing. Allele origin: unknown. Not counted in ClinVar's aggregate classification.

Literature cited by the submitters: PubMed 22789865 (cited by Labcorp Genetics (formerly Invitae), Labcorp); PubMed 16199547 (cited by Labcorp Genetics (formerly Invitae), Labcorp); PubMed 1833974 (cited by Labcorp Genetics (formerly Invitae), Labcorp); PubMed 8490625 (cited by Labcorp Genetics (formerly Invitae), Labcorp).